The following is an entry in ClinVar:

NM_000934.4(SERPINF2):c.165+3A>G

Gene: SERPINF2 (serpin family F member 2; plus strand). Cytogenetic location: 17p13.3.
Variant type: single nucleotide variant.
Coding change: c.165+3A>G on transcript NM_000934.4 (MANE Select); 3 bases into the intron after coding-DNA position 165, A replaced by G.
Molecular consequence: intron variant. On other transcripts: synonymous variant (1).
Genome position (GRCh38, 1-based): chr17:1,745,398, A>G. VCF-style: chr17-1745398-A-G. GRCh37 (hg19) VCF-style: chr17-1648692-A-G.
Other names: c.168A>G, p.Val56= (NM_001165921.2); c.165+3A>G (NM_001165920.1).
Identifiers: ClinVar variation 5000505 (VCV005000505.1).

ClinVar aggregate classification (germline): Uncertain significance (1 of 4 stars; one submission).

Conditions:
SERPINF2-related disorder. Also called: SERPINF2-related condition.

Submission:

PreventionGenetics, part of Exact Sciences
Classification: Uncertain significance for SERPINF2-related condition. Last evaluated: 2025-07-16. Review status: criteria provided, single submitter. Criteria: ACMG Guidelines, 2015. Collection method: clinical testing. Allele origin: germline.
Comment: The SERPINF2 c.168A>G variant is not predicted to result in an amino acid change (p.=). Of note, in the more commonly reported transcript (NM_000934.3) this variant is c.165+3A>G, which is predicted to alter splicing based on available splicing prediction programs (SpliceAI, Jaganathan et al. 2019. PubMed ID: 30661751). However, such computer prediction programs are imperfect. To our knowledge, this variant has not been reported in the literature or in a large population database (gnomAD), indicating this variant is rare. At this time, the clinical significance of this variant is uncertain due to the absence of conclusive functional and genetic evidence.